The following is an entry in ClinVar:

NM_001114753.3(ENG):c.1084A>G (p.Lys362Glu)

Gene: ENG (endoglin; minus strand). Cytogenetic location: 9q34.11.
Variant type: single nucleotide variant.
Coding change: c.1084A>G on transcript NM_001114753.3 (MANE Select); coding-DNA position 1084, A replaced by G.
Protein change: p.Lys362Glu; replaces lysine 362 with glutamic acid.
Molecular consequence: missense variant.
Genome position (GRCh38, 1-based): chr9:127,824,354, T>C on the plus strand (A>G on the coding strand, the complement: ENG is on the minus strand). VCF-style: chr9-127824354-T-C. GRCh37 (hg19) VCF-style: chr9-130586633-T-C.
Other names: c.1084A>G, p.Lys362Glu (NM_000118.4, NM_001406715.1); c.538A>G, p.Lys180Glu (NM_001278138.2); short protein forms K180E, K362E.
Identifiers: ClinVar variation 4843431 (VCV004843431.1).

ClinVar aggregate classification (germline): Uncertain significance (1 of 4 stars; one submission).

Conditions:
Cardiovascular phenotype. Identifiers: MedGen CN230736.

Submission:

Ambry Genetics
Classification: Uncertain significance for Cardiovascular phenotype. Last evaluated: 2026-03-01. Review status: criteria provided, single submitter. Criteria: Ambry Variant Classification Scheme 2023. Collection method: clinical testing. Allele origin: germline.
Comment: The p.K362E variant (also known as c.1084A>G), located in coding exon 8 of the ENG gene, results from an A to G substitution at nucleotide position 1084. The lysine at codon 362 is replaced by glutamic acid, an amino acid with similar properties. This amino acid position is conserved. In addition, this alteration is predicted to be tolerated by in silico analysis. Based on the available evidence, the clinical significance of this variant remains unclear.